The following is an entry in ClinVar:

ClinVar aggregate classification (germline): Benign. Review status: criteria provided, multiple submitters, no conflicts (2 of 4 stars). 3 submissions from 3 submitters: Benign (2). 1 of the submissions does not count toward it. Last evaluated 2026-01-31.

Conditions:
RBM10-related disorder. Also called: RBM10-related condition.

Allele frequency attached by ClinVar (database versions not stated): gnomAD exomes 0.00126 and 0.00339; ExAC 0.00437; 1000 Genomes Project 0.01086; 1000 Genomes Project 30x 0.01145; gnomAD 0.01235 and 0.01328; ESP Exome Variant Server 0.01430; TOPMed 0.01556.

Submissions (3):

Labcorp Genetics (formerly Invitae), Labcorp
Classification: Benign. Last evaluated: 2026-01-31. Review status: criteria provided, single submitter. Criteria: Invitae Variant Classification Sherloc (09022015). Collection method: clinical testing. Allele origin: germline.

Breakthrough Genomics
Classification: Benign. Review status: criteria provided, single submitter. Criteria: ACMG Guidelines, 2015. Collection method: not provided. Allele origin: germline. Inheritance: X-linked inheritance. Affected: yes.

PreventionGenetics, part of Exact Sciences
Classification: Benign for RBM10-related condition. Last evaluated: 2019-07-15. Review status: no assertion criteria provided. Collection method: clinical testing. Allele origin: germline. Not counted in ClinVar's aggregate classification.
Comment: This variant is classified as benign based on ACMG/AMP sequence variant interpretation guidelines (Richards et al. 2015 PMID: 25741868, with internal and published modifications).

NM_005676.5(RBM10):c.1758C>T (p.Thr586=)

Gene: RBM10 (RNA binding motif protein 10; plus strand). Cytogenetic location: Xp11.3.
Variant type: single nucleotide variant.
Coding change: c.1758C>T on transcript NM_005676.5 (MANE Select); coding-DNA position 1758, C replaced by T.
Protein change: p.Thr586=; no amino-acid change (threonine 586 retained).
Molecular consequence: synonymous variant.
Genome position (GRCh38, 1-based): chrX:47,182,015, C>T. VCF-style: chrX-47182015-C-T. GRCh37 (hg19) VCF-style: chrX-47041414-C-T.
Other names: c.1527C>T, p.Thr509= (NM_001204466.2); c.1755C>T, p.Thr585= (NM_001204467.2); c.1953C>T, p.Thr651= (NM_001204468.2); c.1524C>T, p.Thr508= (NM_152856.3).
Identifiers: ClinVar variation 788052 (VCV000788052.13), dbSNP rs112102343, ClinGen allele CA10395364.